The following is an entry in ClinVar:

ClinVar aggregate classification (germline): Uncertain significance. Review status: criteria provided, multiple submitters, no conflicts (2 of 4 stars). 2 submissions from 2 submitters: Uncertain significance (2). Last evaluated 2026-07-27.

Conditions:
Gastrointestinal stromal tumor. Also called: Gastrointestinal stromal tumor, somatic; Gastrointestinal stroma tumor. Identifiers: Orphanet 44890, MedGen C0238198, MeSH D046152, MONDO:0011719, OMIM 606764, HP:0100723.
Hereditary cancer-predisposing syndrome. Also called: Neoplastic Syndromes, Hereditary; Tumor predisposition; Hereditary neoplastic syndrome; Hereditary Cancer Syndrome. Identifiers: Orphanet 140162, MedGen C0027672, MeSH D009386, MONDO:0015356.

Allele frequency attached by ClinVar (database versions not stated): ExAC 0.00001.

Submissions (2):

Ambry Genetics
Classification: Uncertain significance for Hereditary cancer-predisposing syndrome. Last evaluated: 2026-07-27. Review status: criteria provided, single submitter. Criteria: Ambry Variant Classification Scheme 2023. Collection method: clinical testing. Allele origin: germline.
Comment: The p.V232L variant (also known as c.694G>T), located in coding exon 4 of the PDGFRA gene, results from a G to T substitution at nucleotide position 694. The valine at codon 232 is replaced by leucine, an amino acid with highly similar properties. This amino acid position is conserved. In addition, this alteration is predicted to be tolerated by in silico analysis. Based on the available evidence, the clinical significance of this variant remains unclear.

Labcorp Genetics (formerly Invitae), Labcorp
Classification: Uncertain significance for Gastrointestinal stromal tumor. Last evaluated: 2022-06-27. Review status: criteria provided, single submitter. Criteria: Invitae Variant Classification Sherloc (09022015). Collection method: clinical testing. Allele origin: germline.
Comment: In summary, the available evidence is currently insufficient to determine the role of this variant in disease. Therefore, it has been classified as a Variant of Uncertain Significance. Algorithms developed to predict the effect of missense changes on protein structure and function output the following: SIFT: "Tolerated"; PolyPhen-2: "Benign"; Align-GVGD: "Class C0". The leucine amino acid residue is found in multiple mammalian species, which suggests that this missense change does not adversely affect protein function. This variant has not been reported in the literature in individuals affected with PDGFRA-related conditions. This variant is present in population databases (rs758580911, gnomAD 0.003%). This sequence change replaces valine, which is neutral and non-polar, with leucine, which is neutral and non-polar, at codon 232 of the PDGFRA protein (p.Val232Leu).

NM_006206.6(PDGFRA):c.694G>T (p.Val232Leu)

Gene: PDGFRA (platelet derived growth factor receptor alpha; plus strand). Cytogenetic location: 4q12.
Variant type: single nucleotide variant.
Coding change: c.694G>T on transcript NM_006206.6 (MANE Select); coding-DNA position 694, G replaced by T.
Protein change: p.Val232Leu; replaces valine 232 with leucine.
Molecular consequence: missense variant.
Genome position (GRCh38, 1-based): chr4:54,264,984, G>T. VCF-style: chr4-54264984-G-T. GRCh37 (hg19) VCF-style: chr4-55131151-G-T.
Other names: c.694G>T, p.Val232Leu (NM_001347827.2, NM_001347829.2); c.769G>T, p.Val257Leu (NM_001347828.2); c.733G>T, p.Val245Leu (NM_001347830.2); short protein forms V257L, V232L, V245L.
Identifiers: ClinVar variation 2203178 (VCV002203178.5), dbSNP rs758580911, ClinGen allele CA2922355.